The following is an entry in ClinVar:

NM_016599.5(MYOZ2):c.-3dup

Gene: MYOZ2 (myozenin 2; plus strand). Cytogenetic location: 4q26.
Variant type: Duplication.
Coding change: c.-3dup on transcript NM_016599.5 (MANE Select); 3 bases upstream of the start codon, one base duplicated (A; older notation c.-3dupA).
Genome position (GRCh38, 1-based): chr4:119,136,523, A duplicated; the last of 7 consecutive A bases (chr4:119,136,517-119,136,523); duplicating any one gives the same sequence. VCF-style (leftmost placement, unchanged base first): chr4-119136516-C-CA. GRCh37 (hg19) VCF-style: chr4-120057671-C-CA.
Other names: c.-3dupA (NM_016599.4).
Identifiers: ClinVar variation 45778 (VCV000045778.12), dbSNP rs397517288, ClinGen allele CA282610.

ClinVar aggregate classification (germline): Benign. Review status: criteria provided, multiple submitters, no conflicts (2 of 4 stars). 6 submissions from 6 submitters: Benign (6). Last evaluated 2018-02-13.

Conditions:
Cardiovascular phenotype. Identifiers: MedGen CN230736.
Hypertrophic cardiomyopathy 16. Identifiers: MedGen C3151204, MONDO:0013455, OMIM 613838.
Cardiomyopathy (CMYO). Also called: Cardiomyopathies. Identifiers: Orphanet 167848, MedGen C0878544, MONDO:0004994, HP:0001638. Inheritance: Various modes of inheritance.

Submissions (6):

Ambry Genetics
Classification: Benign for Cardiovascular phenotype. Last evaluated: 2018-02-13. Review status: criteria provided, single submitter. Criteria: Ambry Variant Classification Scheme 2023. Collection method: clinical testing. Allele origin: germline.

Women's Health and Genetics/Laboratory Corporation of America, LabCorp
Classification: Benign. Last evaluated: 2017-08-25. Review status: criteria provided, single submitter. Criteria: LabCorp Variant Classification Summary - May 2015. Collection method: clinical testing. Allele origin: germline.
Comment: Variant summary: The MYOZ2 c.-3dupA variant (also known as c.-3_-2insA) involves insertion of a nucleotide in non-coding exon 2. Mutation taster predicts a benign outcome for this variant. 5/5 splice prediction tools predict no significant impact on normal splicing. ESE finder predicts that this variant may not affect binding of ESE sites. However, these predictions have yet to be confirmed by functional studies. This variant was found in 176/115548 control chromosomes (1 homozygote) from ExAC, predominantly observed in the African subpopulation at a frequency of 0.015706 (157/9996). This frequency is about 628 times the estimated maximal expected allele frequency of a pathogenic MYOZ2 variant (0.000025), suggesting this is likely a benign polymorphism found primarily in the populations of African origin. In addition, multiple clinical diagnostic laboratories in ClinVar have classified this variant as benign. The variant of interest has not, to our knowledge, been reported in affected individuals in literature. Taken together, this variant is classified as benign.

CHEO Genetics Diagnostic Laboratory, Children's Hospital of Eastern Ontario
Classification: Benign for Cardiomyopathy. Last evaluated: 2016-05-03. Review status: criteria provided, single submitter. Criteria: ACMG Guidelines, 2015. Collection method: clinical testing. Allele origin: germline. Study: Canadian Open Genetics Repository.

Clinical Genetics DNA and cytogenetics Diagnostics Lab, Erasmus MC, Erasmus Medical Center
Classification: Benign for Hypertrophic cardiomyopathy 16. Last evaluated: 2015-09-21. Review status: criteria provided, single submitter. Criteria: ACGS Guidelines, 2013. Collection method: clinical testing. Allele origin: germline. Affected: yes. Study: VKGL Data-share Consensus.

GeneDx
Classification: Benign. Last evaluated: 2015-03-03. Review status: criteria provided, single submitter. Criteria: GeneDx Variant Classification (06012015). Collection method: clinical testing. Allele origin: germline. Affected: yes.
Comment: This variant was found in CARDIOMYOPATHY,CRDMV2-PANCARD

Laboratory for Molecular Medicine, Mass General Brigham Personalized Medicine
Classification: Benign. Last evaluated: 2013-02-25. Review status: criteria provided, single submitter. Criteria: LMM Criteria. Collection method: clinical testing. Allele origin: germline. Observed: 18 variant alleles.
Comment: -3_-2insA in exon 2 of MYOZ2: This variant is not expected to have clinical sign ificance because it has been identified in 1.2% (51/4268) of African American ch romosomes from a broad population by the NHLBI Exome Sequencing Project . -3_-2insA in exon 2 of MYOZ2 (allele frequency = 1.2%, 51/4268) **